The following is an entry in ClinVar:

NM_007194.4(CHEK2):c.307T>A (p.Phe103Ile)

Gene: CHEK2 (checkpoint kinase 2; minus strand). Cytogenetic location: 22q12.1.
Variant type: single nucleotide variant.
Coding change: c.307T>A on transcript NM_007194.4 (MANE Select); coding-DNA position 307, T replaced by A.
Protein change: p.Phe103Ile; replaces phenylalanine 103 with isoleucine.
Molecular consequence: missense variant.
Genome position (GRCh38, 1-based): chr22:28,734,415, A>T on the plus strand (T>A on the coding strand, the complement: CHEK2 is on the minus strand). VCF-style: chr22-28734415-A-T. GRCh37 (hg19) VCF-style: chr22-29130403-A-T.
Other names: c.307T>A, p.Phe103Ile (NM_001005735.3, NM_001349956.3, NM_145862.3); c.-471T>A (NM_001257387.3); short protein forms F103I.
Identifiers: ClinVar variation 481721 (VCV000481721.7), dbSNP rs587781669, ClinGen allele CA411090230.

ClinVar aggregate classification (germline): Uncertain significance. Review status: criteria provided, multiple submitters, no conflicts (2 of 4 stars). 2 submissions from 2 submitters: Uncertain significance (2). Last evaluated 2024-06-19.

Conditions:
Hereditary cancer-predisposing syndrome. Also called: Neoplastic Syndromes, Hereditary; Tumor predisposition; Hereditary Cancer Syndrome; Hereditary neoplastic syndrome. Identifiers: Orphanet 140162, MedGen C0027672, MeSH D009386, MONDO:0015356.
Familial cancer of breast. Also called: BREAST CANCER, FAMILIAL; Hereditary breast cancer; hereditary breast carcinoma. Identifiers: Orphanet 227535, MedGen C0346153, MONDO:0016419, OMIM 114480. Disease mechanism: loss of function.

Submissions (2):

Labcorp Genetics (formerly Invitae), Labcorp
Classification: Uncertain significance for Familial cancer of breast. Last evaluated: 2024-06-19. Review status: criteria provided, single submitter. Criteria: Invitae Variant Classification Sherloc (09022015). Collection method: clinical testing. Allele origin: germline.
Comment: This sequence change replaces phenylalanine, which is neutral and non-polar, with isoleucine, which is neutral and non-polar, at codon 103 of the CHEK2 protein (p.Phe103Ile). This variant is not present in population databases (gnomAD no frequency). This variant has not been reported in the literature in individuals affected with CHEK2-related conditions. ClinVar contains an entry for this variant (Variation ID: 481721). An algorithm developed to predict the effect of missense changes on protein structure and function (PolyPhen-2) suggests that this variant is likely to be disruptive. In summary, the available evidence is currently insufficient to determine the role of this variant in disease. Therefore, it has been classified as a Variant of Uncertain Significance.

Ambry Genetics
Classification: Uncertain significance for Hereditary cancer-predisposing syndrome. Last evaluated: 2016-08-16. Review status: criteria provided, single submitter. Criteria: Ambry Variant Classification Scheme 2023. Collection method: clinical testing. Allele origin: germline.
Comment: The p.F103I variant (also known as c.307T>A), located in coding exon 1 of the CHEK2 gene, results from a T to A substitution at nucleotide position 307. The phenylalanine at codon 103 is replaced by isoleucine, an amino acid with highly similar properties. This variant was not reported in population based cohorts in the following databases: Database of Single Nucleotide Polymorphisms (dbSNP), NHLBI Exome Sequencing Project (ESP), and 1000 Genomes Project. In the ESP, this variant was not observed in 6503 samples (13006 alleles) with coverage at this position. To date, this alteration has been detected with an allele frequency of approximately 0.001% (greater than 200000 alleles tested) in our clinical cohort. This amino acid position is highly conserved in available vertebrate species. In addition, this alteration is predicted to be deleterious by in silico analysis. Since supporting evidence is limited at this time, the clinical significance of this alteration remains unclear.